The following is an entry in ClinVar:

ClinVar aggregate classification (germline): Conflicting classifications of pathogenicity. Review status: criteria provided, conflicting classifications (1 of 4 stars). 2 submissions from 2 submitters: Uncertain significance (1); Likely benign (1). Last evaluated 2026-01-21.

Conditions:
Cardiovascular phenotype. Identifiers: MedGen CN230736.
Legius syndrome. Identifiers: Orphanet 137605, MedGen C1969623, MONDO:0012669, OMIM 611431. Disease mechanism: loss of function.

Allele frequency attached by ClinVar (database versions not stated): gnomAD 0.00001; TOPMed 0.00001; gnomAD exomes 0.00004; ExAC 0.00007.
gnomAD v4.1: 31 of 1,613,252 alleles (0.0019%); highest among the groups gnomAD compares: Non-Finnish European, 0.0025%; no homozygotes.

Submissions (2):

Labcorp Genetics (formerly Invitae), Labcorp
Classification: Uncertain significance for Legius syndrome. Last evaluated: 2026-01-21. Review status: criteria provided, single submitter. Criteria: Invitae Variant Classification Sherloc (09022015). Collection method: clinical testing. Allele origin: germline.
Comment: This sequence change replaces glycine, which is neutral and non-polar, with valine, which is neutral and non-polar, at codon 438 of the SPRED1 protein (p.Gly438Val). This variant is present in population databases (rs573603750, gnomAD 0.007%). This variant has not been reported in the literature in individuals affected with SPRED1-related conditions. ClinVar contains an entry for this variant (Variation ID: 841757). Invitae Evidence Modeling of protein sequence and biophysical properties (such as structural, functional, and spatial information, amino acid conservation, physicochemical variation, residue mobility, and thermodynamic stability) indicates that this missense variant is expected to disrupt SPRED1 protein function with a positive predictive value of 80%. In summary, the available evidence is currently insufficient to determine the role of this variant in disease. Therefore, it has been classified as a Variant of Uncertain Significance.

Ambry Genetics
Classification: Likely benign for Cardiovascular phenotype. Last evaluated: 2023-02-10. Review status: criteria provided, single submitter. Criteria: Ambry Variant Classification Scheme 2023. Collection method: clinical testing. Allele origin: germline.

NM_152594.3(SPRED1):c.1313G>T (p.Gly438Val)

Gene: SPRED1 (sprouty related EVH1 domain containing 1; plus strand). Cytogenetic location: 15q14.
Variant type: single nucleotide variant.
Coding change: c.1313G>T on transcript NM_152594.3 (MANE Select); coding-DNA position 1313, G replaced by T.
Protein change: p.Gly438Val; replaces glycine 438 with valine.
Molecular consequence: missense variant.
Genome position (GRCh38, 1-based): chr15:38,351,642, G>T. VCF-style: chr15-38351642-G-T. GRCh37 (hg19) VCF-style: chr15-38643843-G-T.
Other names: short protein forms G438V.
Identifiers: ClinVar variation 841757 (VCV000841757.9), dbSNP rs573603750, ClinGen allele CA7470263.